The following is an entry in ClinVar:

ClinVar aggregate classification (germline): Likely benign. Review status: criteria provided, multiple submitters, no conflicts (2 of 4 stars). 3 submissions from 3 submitters: Likely benign (2). 1 of the submissions does not count toward it. Last evaluated 2026-03-07.

Conditions:
TGFB2-related disorder. Also called: TGFB2-related condition.
Familial thoracic aortic aneurysm and aortic dissection (TAAD). Also called: Thoracic aortic aneurysms and dissections. Identifiers: Orphanet 91387, MedGen C4707243, MONDO:0019625.

Allele frequency attached by ClinVar (database versions not stated): TOPMed below 0.00001; gnomAD exomes 0.00001; ExAC 0.00002.
gnomAD v4.1: 10 of 1,614,152 alleles (0.00062%); highest among the groups gnomAD compares: South Asian, 0.0099%; no homozygotes.

Submissions (3):

Ambry Genetics
Classification: Likely benign for Familial thoracic aortic aneurysm and aortic dissection. Last evaluated: 2026-03-07. Review status: criteria provided, single submitter. Criteria: Ambry Variant Classification Scheme 2023. Collection method: clinical testing. Allele origin: germline.

Blueprint Genetics
Classification: Likely benign. Last evaluated: 2023-02-24. Review status: criteria provided, single submitter. Criteria: ACMG Guidelines, 2015. Collection method: clinical testing. Allele origin: germline.

PreventionGenetics, part of Exact Sciences
Classification: Likely benign for TGFB2-related condition. Last evaluated: 2022-01-04. Review status: no assertion criteria provided. Collection method: clinical testing. Allele origin: germline. Not counted in ClinVar's aggregate classification.
Comment: This variant is classified as likely benign based on ACMG/AMP sequence variant interpretation guidelines (Richards et al. 2015 PMID: 25741868, with internal and published modifications).

NM_003238.6(TGFB2):c.108G>A (p.Arg36=)

Gene: TGFB2 (transforming growth factor beta 2; plus strand). Cytogenetic location: 1q41.
Variant type: single nucleotide variant.
Coding change: c.108G>A on transcript NM_003238.6 (MANE Select); coding-DNA position 108, G replaced by A.
Protein change: p.Arg36=; no amino-acid change (arginine 36 retained).
Molecular consequence: synonymous variant. On other transcripts: non-coding transcript variant (2).
Genome position (GRCh38, 1-based): chr1:218,346,809, G>A. VCF-style: chr1-218346809-G-A. GRCh37 (hg19) VCF-style: chr1-218520151-G-A.
Other names: c.108G>A, p.Arg36= (NM_001135599.4); c.108G>A (NM_003238.3).
Identifiers: ClinVar variation 3058800 (VCV003058800.4), dbSNP rs768388826, ClinGen allele CA1398372.
Genomic context (GRCh38, chr1:218,346,809, plus strand): 5'-GGTCGCGCTCAGCCTGTCTACCTGCAGCACACTCGATATGGACCAGTTCATGCGCAAGAG[G>A]ATCGAGGCGATCCGCGGGCAGATCCTGAGCAAGCTGAAGCTCACCAGTCCCCCAGAAGAC-3'
Protein context (NP_003229.1, residues 26-46): TLDMDQFMRK[Arg36=]IEAIRGQILS